The following is an entry in ClinVar:

NM_003183.6(ADAM17):c.575A>G (p.Glu192Gly)

Gene: ADAM17 (ADAM metallopeptidase domain 17; minus strand). Cytogenetic location: 2p25.1.
Variant type: single nucleotide variant.
Coding change: c.575A>G on transcript NM_003183.6 (MANE Select); coding-DNA position 575, A replaced by G.
Protein change: p.Glu192Gly; replaces glutamic acid 192 with glycine.
Molecular consequence: missense variant. On other transcripts: 5 prime UTR variant (2).
Genome position (GRCh38, 1-based): chr2:9,527,830, T>C on the plus strand (A>G on the coding strand, the complement: ADAM17 is on the minus strand). VCF-style: chr2-9527830-T-C. GRCh37 (hg19) VCF-style: chr2-9667959-T-C.
Other names: c.-106A>G (NM_001382777.1); c.-348A>G (NM_001382778.1); c.575A>G (NM_003183.4); short protein forms E192G.
Identifiers: ClinVar variation 1397681 (VCV001397681.9), dbSNP rs2125027483, ClinGen allele CA345783924.

ClinVar aggregate classification (germline): Uncertain significance. Review status: criteria provided, multiple submitters, no conflicts (2 of 4 stars). 2 submissions from 2 submitters: Uncertain significance (2). Last evaluated 2022-08-30.

Conditions:
Inborn genetic diseases. Identifiers: MedGen C0950123, MeSH D030342.
Inflammatory skin and bowel disease, neonatal, 1. Identifiers: Orphanet 294023, MedGen C3280501, MONDO:0013693, OMIM 614328.

Submissions (2):

Ambry Genetics
Classification: Uncertain significance for Inborn genetic diseases. Last evaluated: 2022-08-30. Review status: criteria provided, single submitter. Criteria: Ambry Variant Classification Scheme 2023. Collection method: clinical testing. Allele origin: germline.

Labcorp Genetics (formerly Invitae), Labcorp
Classification: Uncertain significance for Inflammatory skin and bowel disease, neonatal, 1. Last evaluated: 2022-03-02. Review status: criteria provided, single submitter. Criteria: Invitae Variant Classification Sherloc (09022015). Collection method: clinical testing. Allele origin: germline.
Comment: This variant is not present in population databases (gnomAD no frequency). In summary, the available evidence is currently insufficient to determine the role of this variant in disease. Therefore, it has been classified as a Variant of Uncertain Significance. Algorithms developed to predict the effect of missense changes on protein structure and function output the following: SIFT: "Not Available"; PolyPhen-2: "Benign"; Align-GVGD: "Not Available". The glycine amino acid residue is found in multiple mammalian species, which suggests that this missense change does not adversely affect protein function. This variant has not been reported in the literature in individuals affected with ADAM17-related conditions. This sequence change replaces glutamic acid, which is acidic and polar, with glycine, which is neutral and non-polar, at codon 192 of the ADAM17 protein (p.Glu192Gly).